The following is an entry in ClinVar:

NM_004360.5(CDH1):c.1469A>G (p.Glu490Gly)

Gene: CDH1 (cadherin 1; plus strand). Cytogenetic location: 16q22.1.
Variant type: single nucleotide variant.
Coding change: c.1469A>G on transcript NM_004360.5 (MANE Select); coding-DNA position 1469, A replaced by G.
Protein change: p.Glu490Gly; replaces glutamic acid 490 with glycine.
Molecular consequence: missense variant. On other transcripts: 5 prime UTR variant (2).
Genome position (GRCh38, 1-based): chr16:68,815,663, A>G. VCF-style: chr16-68815663-A-G. GRCh37 (hg19) VCF-style: chr16-68849566-A-G.
Other names: c.1286A>G, p.Glu429Gly (NM_001317184.2); c.-80A>G (NM_001317185.2); c.-351A>G (NM_001317186.2); short protein forms E490G, E429G.
Identifiers: ClinVar variation 962070 (VCV000962070.10), dbSNP rs1960966026, ClinGen allele CA396463126.

ClinVar aggregate classification (germline): Uncertain significance (1 of 4 stars; one submission).

Conditions:
Hereditary diffuse gastric adenocarcinoma (HDGC). Also called: DIFFUSE GASTRIC AND LOBULAR BREAST CANCER SYNDROME. Identifiers: Orphanet 26106, MedGen C1708349, MONDO:0007648, OMIM 137215.

Submission:

Labcorp Genetics (formerly Invitae), Labcorp
Classification: Uncertain significance for Hereditary diffuse gastric adenocarcinoma. Last evaluated: 2023-03-22. Review status: criteria provided, single submitter. Criteria: Invitae Variant Classification Sherloc (09022015). Collection method: clinical testing. Allele origin: germline.
Comment: This variant has not been reported in the literature in individuals affected with CDH1-related conditions. In summary, the available evidence is currently insufficient to determine the role of this variant in disease. Therefore, it has been classified as a Variant of Uncertain Significance. An algorithm developed to predict the effect of missense changes on protein structure and function (PolyPhen-2) suggests that this variant is likely to be tolerated. ClinVar contains an entry for this variant (Variation ID: 962070). This variant is not present in population databases (gnomAD no frequency). This sequence change replaces glutamic acid, which is acidic and polar, with glycine, which is neutral and non-polar, at codon 490 of the CDH1 protein (p.Glu490Gly).